The following is an entry in ClinVar:

NM_078629.4(MSL3):c.1204A>G (p.Ile402Val)

Gene: MSL3 (MSL complex subunit 3; plus strand). Cytogenetic location: Xp22.2.
Variant type: single nucleotide variant.
Coding change: c.1204A>G on transcript NM_078629.4 (MANE Select); coding-DNA position 1204, A replaced by G.
Protein change: p.Ile402Val; replaces isoleucine 402 with valine.
Molecular consequence: missense variant.
Genome position (GRCh38, 1-based): chrX:11,768,605, A>G. VCF-style: chrX-11768605-A-G. GRCh37 (hg19) VCF-style: chrX-11786724-A-G.
Other names: c.1168A>G, p.Ile390Val (NM_001193270.2); c.757A>G, p.Ile253Val (NM_001282174.1); c.706A>G, p.Ile236Val (NM_006800.4); short protein forms I236V, I253V, I390V, I402V.
Identifiers: ClinVar variation 3778277 (VCV003778277.7).

ClinVar aggregate classification (germline): Likely benign (1 of 4 stars; one submission).

gnomAD v4.1: 4 of 1,207,625 alleles (0.00033%); highest among the groups gnomAD compares: East Asian, 0.003%; no homozygotes.

Submission:

CeGaT Center for Human Genetics Tuebingen
Classification: Likely benign. Last evaluated: 2025-03-01. Review status: criteria provided, single submitter. Criteria: CeGaT Center For Human Genetics Tuebingen Variant Classification Criteria Version 2. Collection method: clinical testing. Allele origin: germline. Affected: yes. Observed: 1 variant allele.
Comment: MSL3: BP4